The following is an entry in ClinVar:

NM_201253.3(CRB1):c.3863G>A (p.Gly1288Asp)

Gene: CRB1 (crumbs cell polarity complex component 1; plus strand). Cytogenetic location: 1q31.3.
Variant type: single nucleotide variant.
Coding change: c.3863G>A on transcript NM_201253.3 (MANE Select); coding-DNA position 3863, G replaced by A.
Protein change: p.Gly1288Asp; replaces glycine 1288 with aspartic acid.
Molecular consequence: missense variant. On other transcripts: non-coding transcript variant (2).
Genome position (GRCh38, 1-based): chr1:197,438,660, G>A. VCF-style: chr1-197438660-G-A. GRCh37 (hg19) VCF-style: chr1-197407790-G-A.
Other names: c.3527G>A, p.Gly1176Asp (NM_001193640.2); c.3791G>A, p.Gly1264Asp (NM_001257965.2); c.2255G>A, p.Gly752Asp (NM_001257966.2); short protein forms G1288D, G1176D, G1264D, G752D.
Identifiers: ClinVar variation 1477482 (VCV001477482.7), dbSNP rs533997742, ClinGen allele CA1312417.
Genomic context (GRCh38, chr1:197,438,660, plus strand): 5'-GCTACAATGGAGGCAACTGCACAGAGTTCCAGACTGAATTAAAATGTATGTGCCGGCCAG[G>A]TTTTACTGGAGAATGGTGAGTCACATTAGAGCCTTCTGGAAGAGAATTCTGAGCTAAAGA-3'
Protein context (NP_957705.1, residues 1278-1298): QTELKCMCRP[Gly1288Asp]FTGEWCEKDI

ClinVar aggregate classification (germline): Conflicting classifications of pathogenicity. Review status: criteria provided, conflicting classifications (1 of 4 stars). 2 submissions from 2 submitters: Likely pathogenic (1); Uncertain significance (1). Last evaluated 2025-12-22.

Conditions:
Retinitis pigmentosa 12 (RP12). Also called: RP WITH OR WITHOUT PPRPE; RP WITH OR WITHOUT PRESERVED PARAARTERIOLE RETINAL PIGMENT EPITHELIUM; RETINITIS PIGMENTOSA WITH OR WITHOUT PARAARTERIOLAR PRESERVATION OF RETINAL PIGMENT EPITHELIUM. Identifiers: Orphanet 791, MedGen C1838647, MONDO:0010818, OMIM 600105.
Leber congenital amaurosis 8 (LCA8). Identifiers: Orphanet 65, MedGen C3151202, MONDO:0013453, OMIM 613835.

Allele frequency attached by ClinVar (database versions not stated): gnomAD exomes below 0.00001; TOPMed below 0.00001; ExAC 0.00001; gnomAD 0.00001; 1000 Genomes Project 30x 0.00016; 1000 Genomes Project 0.00020.
gnomAD v4.1: 1 of 1,612,206 alleles (0.000062%); highest among the groups gnomAD compares: African/African-American, 0.0013%; no homozygotes.

Submissions (2):

Women's Health and Genetics/Laboratory Corporation of America, LabCorp
Classification: Uncertain significance. Last evaluated: 2025-12-22. Review status: criteria provided, single submitter. Criteria: LabCorp Variant Classification Summary - May 2015. Collection method: clinical testing. Allele origin: germline.
Comment: Variant summary: CRB1 c.3863G>A (p.Gly1288Asp) results in a non-conservative amino acid change in the encoded protein sequence. Algorithms developed to predict the effect of missense changes on protein structure and function all suggest that this variant is likely to be disruptive. The variant allele was found at a frequency of 4e-06 in 251118 control chromosomes (gnomAD). The available data on variant occurrences in the general population are insufficient to allow any conclusion about variant significance. To our knowledge, no occurrence of c.3863G>A in individuals affected with CRB1-related conditions and no experimental evidence demonstrating its impact on protein function have been reported. ClinVar contains an entry for this variant (Variation ID: 1477482). Based on the evidence outlined above, the variant was classified as uncertain significance.

Labcorp Genetics (formerly Invitae), Labcorp
Classification: Likely pathogenic for Leber congenital amaurosis 8; Retinitis pigmentosa 12. Last evaluated: 2021-12-31. Review status: criteria provided, single submitter. Criteria: Invitae Variant Classification Sherloc (09022015). Collection method: clinical testing. Allele origin: germline.
Comment: This sequence change replaces glycine, which is neutral and non-polar, with aspartic acid, which is acidic and polar, at codon 1288 of the CRB1 protein (p.Gly1288Asp). This variant is present in population databases (rs533997742, gnomAD 0.007%). This variant has not been reported in the literature in individuals affected with CRB1-related conditions. Advanced modeling of protein sequence and biophysical properties (such as structural, functional, and spatial information, amino acid conservation, physicochemical variation, residue mobility, and thermodynamic stability) performed at Invitae indicates that this missense variant is expected to disrupt CRB1 protein function. This variant disrupts the p.Gly1288 amino acid residue in CRB1. Other variant(s) that disrupt this residue have been determined to be pathogenic (PMID: 31630094, 33342761). This suggests that this residue is clinically significant, and that variants that disrupt this residue are likely to be disease-causing. In summary, the currently available evidence indicates that the variant is pathogenic, but additional data are needed to prove that conclusively. Therefore, this variant has been classified as Likely Pathogenic.

Literature cited by the submitters: PubMed 31630094 (cited by Labcorp Genetics (formerly Invitae), Labcorp); PubMed 33342761 (cited by Labcorp Genetics (formerly Invitae), Labcorp).